The following is an entry in ClinVar:

ClinVar aggregate classification (germline): Benign/Likely benign. Review status: criteria provided, multiple submitters, no conflicts (2 of 4 stars). 3 submissions from 3 submitters: Benign (1); Likely benign (2). Last evaluated 2024-09-25.

Conditions:
Hereditary cancer-predisposing syndrome. Also called: Hereditary Cancer Syndrome; Tumor predisposition; Neoplastic Syndromes, Hereditary; Hereditary neoplastic syndrome. Identifiers: Orphanet 140162, MedGen C0027672, MeSH D009386, MONDO:0015356.
Melanoma, cutaneous malignant, susceptibility to, 3. Also called: Cutaneous malignant melanoma 3. Identifiers: Orphanet 618, MedGen C1836892, MONDO:0012183, OMIM 609048.
Familial melanoma. Also called: Hereditary melanoma; Hereditary cutaneous melanoma. Identifiers: Orphanet 618, MedGen C1512419, MONDO:0018961.

Allele frequency attached by ClinVar (database versions not stated): TOPMed below 0.00001.

Submissions (3):

Myriad Genetics, Inc.
Classification: Benign for Melanoma, cutaneous malignant, susceptibility to, 3. Last evaluated: 2024-09-25. Review status: criteria provided, single submitter. Criteria: Myriad Autosomal Dominant, Autosomal Recessive and X-Linked Classification Criteria (2023). Collection method: clinical testing. Allele origin: unknown.
Comment: This variant is considered benign. This variant is a silent/synonymous amino acid change and it is not expected to impact splicing.

Ambry Genetics
Classification: Likely benign for Hereditary cancer-predisposing syndrome. Last evaluated: 2024-01-17. Review status: criteria provided, single submitter. Criteria: Ambry Variant Classification Scheme 2023. Collection method: clinical testing. Allele origin: germline.

Labcorp Genetics (formerly Invitae), Labcorp
Classification: Likely benign for Familial melanoma. Last evaluated: 2022-03-29. Review status: criteria provided, single submitter. Criteria: Invitae Variant Classification Sherloc (09022015). Collection method: clinical testing. Allele origin: germline.

NM_000075.4(CDK4):c.483G>A (p.Leu161=)

Gene: CDK4 (cyclin dependent kinase 4; minus strand). Cytogenetic location: 12q14.1.
Variant type: single nucleotide variant.
Coding change: c.483G>A on transcript NM_000075.4 (MANE Select); coding-DNA position 483, G replaced by A.
Protein change: p.Leu161=; no amino-acid change (leucine 161 retained).
Molecular consequence: synonymous variant.
Genome position (GRCh38, 1-based): chr12:57,750,962, C>T on the plus strand (G>A on the coding strand, the complement: CDK4 is on the minus strand). VCF-style: chr12-57750962-C-T. GRCh37 (hg19) VCF-style: chr12-58144745-C-T.
Identifiers: ClinVar variation 2119175 (VCV002119175.6), dbSNP rs1182688036, ClinGen allele CA480404411.